The following is an entry in ClinVar:

NM_000135.4(FANCA):c.2878C>T (p.His960Tyr)

Gene: FANCA (FA complementation group A; minus strand). Cytogenetic location: 16q24.3.
Variant type: single nucleotide variant.
Coding change: c.2878C>T on transcript NM_000135.4 (MANE Select); coding-DNA position 2878, C replaced by T.
Protein change: p.His960Tyr; replaces histidine 960 with tyrosine.
Molecular consequence: missense variant.
Genome position (GRCh38, 1-based): chr16:89,758,680, G>A on the plus strand (C>T on the coding strand, the complement: FANCA is on the minus strand). VCF-style: chr16-89758680-G-A. GRCh37 (hg19) VCF-style: chr16-89825088-G-A.
Other names: c.2878C>T (NM_000135.2); c.2878C>T, p.His960Tyr (NM_001286167.3); short protein forms H960Y.
Identifiers: ClinVar variation 1423893 (VCV001423893.7), dbSNP rs923046981, ClinGen allele CA397431489.

ClinVar aggregate classification (germline): Conflicting classifications of pathogenicity. Review status: criteria provided, conflicting classifications (1 of 4 stars). 2 submissions from 2 submitters: Uncertain significance (1); Likely benign (1). Last evaluated 2026-06-13.

Conditions:
Inborn genetic diseases. Identifiers: MedGen C0950123, MeSH D030342.
Fanconi anemia (FA). Also called: Fanconi's anemia. Identifiers: Orphanet 84, MedGen C0015625, MeSH D005199, MONDO:0019391.

Allele frequency attached by ClinVar (database versions not stated): gnomAD exomes below 0.00001.
gnomAD v4.1: 2 of 1,613,806 alleles (0.00012%); highest among the groups gnomAD compares: African/African-American, 0.0013%; no homozygotes.

Submissions (2):

Ambry Genetics
Classification: Likely benign for Inborn genetic diseases. Last evaluated: 2026-06-13. Review status: criteria provided, single submitter. Criteria: Ambry Variant Classification Scheme 2023. Collection method: clinical testing. Allele origin: germline.

Labcorp Genetics (formerly Invitae), Labcorp
Classification: Uncertain significance for Fanconi anemia. Last evaluated: 2021-11-22. Review status: criteria provided, single submitter. Criteria: Invitae Variant Classification Sherloc (09022015). Collection method: clinical testing. Allele origin: germline.
Comment: In summary, the available evidence is currently insufficient to determine the role of this variant in disease. Therefore, it has been classified as a Variant of Uncertain Significance. Advanced modeling of protein sequence and biophysical properties (such as structural, functional, and spatial information, amino acid conservation, physicochemical variation, residue mobility, and thermodynamic stability) performed at Invitae indicates that this missense variant is not expected to disrupt FANCA protein function. This variant has not been reported in the literature in individuals affected with FANCA-related conditions. This variant is not present in population databases (gnomAD no frequency). This sequence change replaces histidine, which is basic and polar, with tyrosine, which is neutral and polar, at codon 960 of the FANCA protein (p.His960Tyr).